The following is an entry in ClinVar:

NM_003412.4(ZIC1):c.453C>G (p.Ala151=)

Gene: ZIC1 (Zic family zinc finger 1; plus strand). Cytogenetic location: 3q24.
Variant type: single nucleotide variant.
Coding change: c.453C>G on transcript NM_003412.4 (MANE Select); coding-DNA position 453, C replaced by G.
Protein change: p.Ala151=; no amino-acid change (alanine 151 retained).
Molecular consequence: synonymous variant.
Genome position (GRCh38, 1-based): chr3:147,410,565, C>G. VCF-style: chr3-147410565-C-G. GRCh37 (hg19) VCF-style: chr3-147128352-C-G.
Identifiers: ClinVar variation 735119 (VCV000735119.36), dbSNP rs151126720, ClinGen allele CA2657083.
Genomic context (GRCh38, chr3:147,410,565, plus strand): 5'-ACACGGCCACACGGACGCCGCGGGCCACCTCCTCTTCCCCGGGCTTCACGAGCAGGCTGC[C>G]GGCCACGCGTCGCCTAACGTGGTCAACGGGCAGATGAGGCTCGGCTTCTCGGGGGACATG-3'
Protein context (NP_003403.2, residues 141-161): LLFPGLHEQA[Ala151=]GHASPNVVNG

ClinVar aggregate classification (germline): Benign/Likely benign. Review status: criteria provided, multiple submitters, no conflicts (2 of 4 stars). 4 submissions from 4 submitters: Benign (1); Likely benign (3). Last evaluated 2026-02-01.

Allele frequency attached by ClinVar (database versions not stated): gnomAD 0.00051; TOPMed 0.00088; 1000 Genomes Project 30x 0.00094; ESP Exome Variant Server 0.00100; 1000 Genomes Project 0.00120; ExAC 0.00128.
gnomAD v4.1: 1,589 of 1,611,586 alleles (0.099%); highest among the groups gnomAD compares: Middle Eastern, 0.48%; 9 homozygotes.

Submissions (4):

CeGaT Center for Human Genetics Tuebingen
Classification: Likely benign. Last evaluated: 2026-02-01. Review status: criteria provided, single submitter. Criteria: CeGaT Center For Human Genetics Tuebingen Variant Classification Criteria Version 2. Collection method: clinical testing. Allele origin: germline. Affected: yes. Observed: 2 variant alleles.
Comment: ZIC1: BP4, BP7

Labcorp Genetics (formerly Invitae), Labcorp
Classification: Benign. Last evaluated: 2025-12-24. Review status: criteria provided, single submitter. Criteria: Invitae Variant Classification Sherloc (09022015). Collection method: clinical testing. Allele origin: germline.

GeneDx
Classification: Likely benign. Last evaluated: 2019-09-23. Review status: criteria provided, single submitter. Criteria: GeneDx Variant Classification Process June 2021. Collection method: clinical testing. Allele origin: germline. Affected: yes.

Breakthrough Genomics
Classification: Likely benign. Review status: criteria provided, single submitter. Criteria: ACMG Guidelines, 2015. Collection method: not provided. Allele origin: germline. Inheritance: Autosomal dominant inheritance. Affected: yes.